The following is an entry in ClinVar:

ClinVar aggregate classification (germline): Pathogenic. Review status: reviewed by expert panel (3 of 4 stars). 3 submissions from 3 submitters: Pathogenic (1). 2 of the submissions do not count toward it. Last evaluated 2017-12-15.

Conditions:
Hereditary cancer-predisposing syndrome. Also called: Hereditary Cancer Syndrome; Neoplastic Syndromes, Hereditary; Tumor predisposition; Hereditary neoplastic syndrome. Identifiers: Orphanet 140162, MedGen C0027672, MeSH D009386, MONDO:0015356.
Breast-ovarian cancer, familial, susceptibility to, 2 (BROVCA2). Also called: BRCA2 Hereditary Breast and Ovarian Cancer. Identifiers: Orphanet 145, MedGen C2675520, MONDO:0012933, OMIM 612555. Disease mechanism: loss of function.
Hereditary breast ovarian cancer syndrome. Also called: Hereditary breast and/or ovarian cancer syndrome; BRCA1- and BRCA2-Associated Hereditary Breast and Ovarian Cancer; Hereditary breast and ovarian cancer syndrome (HBOC); Hereditary breast and ovarian cancer; Hereditary breast and ovarian cancer syndrome; Breast and ovarian cancer. Identifiers: Orphanet 145, MedGen C0677776, MeSH D061325, MONDO:0003582. Disease mechanism: loss of function.

Submissions (3):

Evidence-based Network for the Interpretation of Germline Mutant Alleles (ENIGMA)
Classification: Pathogenic for Breast-ovarian cancer, familial, susceptibility to, 2. Last evaluated: 2017-12-15. Review status: reviewed by expert panel. Criteria: ENIGMA BRCA1/2 Classification Criteria (2017-06-29). Collection method: curation. Allele origin: germline. Study: ENIGMA.
Comment: Variant allele predicted to encode a truncated non-functional protein.

GeneKor MSA
Classification: Pathogenic for Hereditary breast ovarian cancer syndrome. Last evaluated: 2025-06-17. Review status: criteria provided, single submitter. Criteria: ACMG Guidelines, 2015. Collection method: clinical testing. Allele origin: germline. Not counted in ClinVar's aggregate classification.
Comment: This variant, located in coding exon 11 of the BRCA2 gene, is a single base substitution at nucleotide position 6351, c.(6351T>A), replacing Cysteine with a premature termination stop signal at codon 2117, p.(Cys2117*). This is expected to result in an absent or disrupted protein product. Truncating variants in BRCA2 are known to be pathogenic (PMID:20104584). This variant is not present in population databases (rs876659368). ClinVar contains entries for this variant where is listed as pathogenic (VCV000231792.5). Based on the classification criteria set by the ACMG and AMP (PMID:25741868) this variant has been classified as pathogenic.

Ambry Genetics
Classification: Pathogenic for Hereditary cancer-predisposing syndrome. Last evaluated: 2015-05-14. Review status: criteria provided, single submitter. Criteria: Ambry Variant Classification Scheme 2023. Collection method: clinical testing. Allele origin: germline. Not counted in ClinVar's aggregate classification.
Comment: The p.C2117* pathogenic mutation (also known as c.6351T>A and 6579T>A), located in coding exon 10 of the BRCA2 gene, results from a T to A substitution at nucleotide position 6351. This changes the amino acid from a cysteine to a stop codon within coding exon 10. Since premature stop codons are typically deleterious in nature, this alteration is interpreted as a disease-causing mutation (ACMG Recommendations for Standards for Interpretation and Reporting of Sequence Variations. Revision 2007. Genet Med. 2008;10:294).

Literature cited by the submitters: PubMed 20104584 (cited by GeneKor MSA).

NM_000059.4(BRCA2):c.6351T>A (p.Cys2117Ter)

Gene: BRCA2 (BRCA2 DNA repair associated; plus strand). Cytogenetic location: 13q13.1.
Variant type: single nucleotide variant.
Coding change: c.6351T>A on transcript NM_000059.4 (MANE Select); coding-DNA position 6351, T replaced by A.
Protein change: p.Cys2117Ter; replaces cysteine 2117 with a stop codon.
Molecular consequence: nonsense.
Genome position (GRCh38, 1-based): chr13:32,340,706, T>A. VCF-style: chr13-32340706-T-A. GRCh37 (hg19) VCF-style: chr13-32914843-T-A.
Other names: short protein forms C2117*.
Identifiers: ClinVar variation 231792 (VCV000231792.6), dbSNP rs876659368, ClinGen allele CA10579691.